The following is an entry in ClinVar:

NM_001367871.1(FBRSL1):c.1912+1G>A

Gene: FBRSL1 (fibrosin like 1; plus strand). Cytogenetic location: 12q24.33.
Variant type: single nucleotide variant.
Coding change: c.1912+1G>A on transcript NM_001367871.1 (MANE Select); the canonical splice donor site of the intron after coding-DNA position 1912, G replaced by A.
Molecular consequence: splice donor variant.
Genome position (GRCh38, 1-based): chr12:132,581,517, G>A. VCF-style: chr12-132581517-G-A. GRCh37 (hg19) VCF-style: chr12-133158103-G-A.
Other names: c.1966+1G>A (NM_001382739.1); c.2041+1G>A (NM_001142641.2); c.1291+1G>A (NM_001382740.1).
Identifiers: ClinVar variation 2630084 (VCV002630084.1), dbSNP rs1420336153, ClinGen allele CA387376183.
Genomic context (GRCh38, chr12:132,581,517, plus strand): 5'-CCAACCCATTTGGACCCTCAGCCCATCCTGGCAGCTTCCTGCCCACTGGCCCCCTGACAG[G>A]TGGGTGTCTCTGAATTCAGCCCACGCAGCCTGGCTGGTTCCTCAGCAGCCTTGTGGCGGG-3'

ClinVar aggregate classification (germline): Uncertain significance (1 of 4 stars; one submission).

Conditions:
FBRSL1-related disorder. Also called: FBRSL1-related condition.

Allele frequency attached by ClinVar (database versions not stated): gnomAD exomes 0.00001.
gnomAD v4.1: 7 of 1,550,976 alleles (0.00045%); highest among the groups gnomAD compares: Non-Finnish European, 0.00061%; no homozygotes.

Submission:

PreventionGenetics, part of Exact Sciences
Classification: Uncertain significance for FBRSL1-related condition. Last evaluated: 2023-01-21. Review status: criteria provided, single submitter. Criteria: ACMG Guidelines, 2015. Collection method: clinical testing. Allele origin: germline.
Comment: The FBRSL1 c.2041+1G>A variant is predicted to disrupt the GT donor site and interfere with normal splicing. To our knowledge, this variant has not been reported in the literature or in a large population database, indicating this variant is rare. At this time, the clinical significance of this variant is uncertain due to the absence of conclusive functional and genetic evidence.